The following is an entry in ClinVar:

ClinVar aggregate classification (germline): Pathogenic. Review status: criteria provided, multiple submitters, no conflicts (2 of 4 stars). 2 submissions from 2 submitters: Pathogenic (2). Last evaluated 2022-03-14.

Conditions:
Generalized dominant dystrophic epidermolysis bullosa (DDEB). Also called: DYSTROPHIC EPIDERMOLYSIS BULLOSA, AUTOSOMAL DOMINANT; Epidermolysis bullosa dystrophica, autosomal dominant; DDEB, generalized; DDEB-gen; Dominant DEB (DDEB). Identifiers: Orphanet 231568, MedGen C0432322, MONDO:0007549, OMIM 131750.

Submissions (2):

Center for Research in Genodermatoses and Epidermolysis Bullosa, University of Buenos Aires
Classification: Pathogenic for Generalized dominant dystrophic epidermolysis bullosa. Last evaluated: 2022-03-14. Review status: criteria provided, single submitter. Criteria: ACMG Guidelines, 2015. Collection method: clinical testing. Allele origin: germline. Affected: yes. Observed: 2 variant alleles, 2 heterozygotes.

GeneDx
Classification: Pathogenic. Last evaluated: 2022-01-18. Review status: criteria provided, single submitter. Criteria: GeneDx Variant Classification Process June 2021. Collection method: clinical testing. Allele origin: germline. Affected: yes.
Comment: Located in the highly conserved Gly-X-Y repeat of the collagenous domain; Glycine substitution variants in this region of the COLVII protein destabilize the collagen triple helix resulting in skin fragility due to poor anchoring of the basement membrane to the underlying dermis (Pfendner and Lucky, 2018); Not observed at significant frequency in large population cohorts (gnomAD); In silico analysis supports that this missense variant has a deleterious effect on protein structure/function; This variant is associated with the following publications: (PMID: 21448560, 8752681, 19681861, 20598510)

Literature cited by the submitters: PubMed 35979658 (cited by Center for Research in Genodermatoses and Epidermolysis Bullosa, University of Buenos Aires); PubMed 21448560 (cited by Center for Research in Genodermatoses and Epidermolysis Bullosa, University of Buenos Aires).

NM_000094.4(COL7A1):c.6008G>A (p.Gly2003Glu)

Gene: COL7A1 (collagen type VII alpha 1 chain; minus strand). Cytogenetic location: 3p21.31.
Variant type: single nucleotide variant.
Coding change: c.6008G>A on transcript NM_000094.4 (MANE Select); coding-DNA position 6008, G replaced by A.
Protein change: p.Gly2003Glu; replaces glycine 2003 with glutamic acid.
Molecular consequence: missense variant.
Genome position (GRCh38, 1-based): chr3:48,575,511, C>T on the plus strand (G>A on the coding strand, the complement: COL7A1 is on the minus strand). VCF-style: chr3-48575511-C-T. GRCh37 (hg19) VCF-style: chr3-48612944-C-T.
Other names: short protein forms G2003E.
Identifiers: ClinVar variation 1676645 (VCV001676645.7), dbSNP rs2107675162, ClinGen allele CA352663960.
Genomic context (GRCh38, chr3:48,575,511, plus strand): 5'-TCCCCAAGGGCCAGACCAGGTGGCCCCTGAGGGCCAGGGTCTCCACGGTCGCCCTTCAGC[C>T]CGCGTTCTCCAGGAAAGCCGATGGGGCCCTGCAGGAGTGGAAGAGAGAATGCTGGTGGCT-3'
Protein context (NP_000085.1, residues 1993-2013): EGPIGFPGER[Gly2003Glu]LKGDRGDPGP